The following is an entry in ClinVar:

ClinVar aggregate classification (germline): Pathogenic/Likely pathogenic. Review status: criteria provided, multiple submitters, no conflicts (2 of 4 stars). 2 submissions from 2 submitters: Pathogenic (1); Likely pathogenic (1). Last evaluated 2024-02-23.

Conditions:
Familial dysautonomia. Also called: HSAN III; FD. Identifiers: Orphanet 1764, MedGen C0013364, MONDO:0009131, OMIM 223900. Disease mechanism: loss of function.
Medulloblastoma (MDB). Also called: MEDULLOBLASTOMA PREDISPOSITION SYNDROME; Medulloblastoma, somatic. Identifiers: Orphanet 616, MedGen C0025149, MeSH D008527, MONDO:0007959, OMIM 155255, HP:0002885.

gnomAD v4.1: 1 of 1,611,616 alleles (0.000062%); highest among the groups gnomAD compares: Non-Finnish European, 0.000085%; no homozygotes.

Submissions (2):

Labcorp Genetics (formerly Invitae), Labcorp
Classification: Pathogenic. Last evaluated: 2024-02-23. Review status: criteria provided, single submitter. Criteria: Invitae Variant Classification Sherloc (09022015). Collection method: clinical testing. Allele origin: germline.
Comment: This sequence change creates a premature translational stop signal (p.Ser249*) in the ELP1 gene. It is expected to result in an absent or disrupted protein product. Loss-of-function variants in ELP1 are known to be pathogenic (PMID: 18303054, 24173031). This variant is not present in population databases (gnomAD no frequency). This variant has not been reported in the literature in individuals affected with ELP1-related conditions. Algorithms developed to predict the effect of sequence changes on RNA splicing suggest that this variant may disrupt the consensus splice site. For these reasons, this variant has been classified as Pathogenic.

Fulgent Genetics
Classification: Likely pathogenic for Medulloblastoma; Familial dysautonomia. Last evaluated: 2024-01-09. Review status: criteria provided, single submitter. Criteria: ACMG Guidelines, 2015. Collection method: clinical testing. Allele origin: germline.

Literature cited by the submitters: PubMed 18303054 (cited by Labcorp Genetics (formerly Invitae), Labcorp); PubMed 24173031 (cited by Labcorp Genetics (formerly Invitae), Labcorp).

NM_003640.5(ELP1):c.746C>G (p.Ser249Ter)

Gene: ELP1 (elongator acetyltransferase complex subunit 1; minus strand). Cytogenetic location: 9q31.3.
Variant type: single nucleotide variant.
Coding change: c.746C>G on transcript NM_003640.5 (MANE Select); coding-DNA position 746, C replaced by G.
Protein change: p.Ser249Ter; replaces serine 249 with a stop codon.
Molecular consequence: nonsense. On other transcripts: 5 prime UTR variant (1).
Genome position (GRCh38, 1-based): chr9:108,917,665, G>C on the plus strand (C>G on the coding strand, the complement: ELP1 is on the minus strand). VCF-style: chr9-108917665-G-C. GRCh37 (hg19) VCF-style: chr9-111679945-G-C.
Other names: c.404C>G, p.Ser135Ter (NM_001318360.2); c.-302C>G (NM_001330749.2); short protein forms S135*, S249*.
Identifiers: ClinVar variation 2880686 (VCV002880686.4), dbSNP rs2537939949, ClinGen allele CA374386518.
Genomic context (GRCh38, chr9:108,917,665, plus strand): 5'-TCAAAAAACACAATATCCTGCTGGTTGGGTTTATCTTGTGTAGATGCAATCAAACTGCCT[G>C]AGGGTCTTAAAGCAAACTCAGAGTGTTACAATATCGAAAGCTCACCTAACTAAAGAATAG-3'